The following is an entry in ClinVar:

NM_020987.5(ANK3):c.10999G>A (p.Val3667Ile)

Gene: ANK3 (ankyrin 3; minus strand). Cytogenetic location: 10q21.2.
Variant type: single nucleotide variant.
Coding change: c.10999G>A on transcript NM_020987.5 (MANE Select); coding-DNA position 10999, G replaced by A.
Protein change: p.Val3667Ile; replaces valine 3667 with isoleucine.
Molecular consequence: missense variant. On other transcripts: intron variant (4).
Genome position (GRCh38, 1-based): chr10:60,069,882, C>T on the plus strand (G>A on the coding strand, the complement: ANK3 is on the minus strand). VCF-style: chr10-60069882-C-T. GRCh37 (hg19) VCF-style: chr10-61829640-C-T.
Other names: c.4388-1873G>A (NM_001204403.2); c.4409-1873G>A (NM_001204404.2); c.4406-1873G>A (NM_001320874.2); c.1808-1873G>A (NM_001149.4); short protein forms V3667I.
Identifiers: ClinVar variation 1480098 (VCV001480098.6), dbSNP rs138540912, ClinGen allele CA5511174.

ClinVar aggregate classification (germline): Uncertain significance (1 of 4 stars; one submission).

Allele frequency attached by ClinVar (database versions not stated): gnomAD exomes 0.00001 and 0.00002; ExAC 0.00003; gnomAD 0.00003 and 0.00006; 1000 Genomes Project 30x 0.00062; 1000 Genomes Project 0.00080.
gnomAD v4.1: 28 of 1,613,932 alleles (0.0017%); highest among the groups gnomAD compares: African/African-American, 0.032%; no homozygotes.

Submission:

Labcorp Genetics (formerly Invitae), Labcorp
Classification: Uncertain significance. Last evaluated: 2021-12-02. Review status: criteria provided, single submitter. Criteria: Invitae Variant Classification Sherloc (09022015). Collection method: clinical testing. Allele origin: germline.
Comment: In summary, the available evidence is currently insufficient to determine the role of this variant in disease. Therefore, it has been classified as a Variant of Uncertain Significance. Algorithms developed to predict the effect of missense changes on protein structure and function output the following: SIFT: "Not Available"; PolyPhen-2: "Benign"; Align-GVGD: "Not Available". The isoleucine amino acid residue is found in multiple mammalian species, which suggests that this missense change does not adversely affect protein function. This variant has not been reported in the literature in individuals affected with ANK3-related conditions. This variant is present in population databases (rs138540912, gnomAD 0.02%). This sequence change replaces valine with isoleucine at codon 3667 of the ANK3 protein (p.Val3667Ile). The valine residue is weakly conserved and there is a small physicochemical difference between valine and isoleucine.